The following is an entry in ClinVar:

ClinVar aggregate classification (germline): Pathogenic (1 of 4 stars; one submission).

Submission:

Labcorp Genetics (formerly Invitae), Labcorp
Classification: Pathogenic. Last evaluated: 2021-05-10. Review status: criteria provided, single submitter. Criteria: Invitae Variant Classification Sherloc (09022015). Collection method: clinical testing. Allele origin: germline.
Comment: For these reasons, this variant has been classified as Pathogenic. Algorithms developed to predict the effect of sequence changes on RNA splicing suggest that this variant may create or strengthen a splice site, but this prediction has not been confirmed by published transcriptional studies. This variant has not been reported in the literature in individuals with COQ8A-related conditions. This variant is not present in population databases (ExAC no frequency). This sequence change creates a premature translational stop signal (p.Lys423*) in the COQ8A gene. It is expected to result in an absent or disrupted protein product. Loss-of-function variants in COQ8A are known to be pathogenic (PMID: 18319074, 20580948).

Literature cited by the submitters: PubMed 18319074; PubMed 20580948.

NM_020247.5(COQ8A):c.1266_1267insT (p.Lys423Ter)

Gene: COQ8A (coenzyme Q8A; plus strand). Cytogenetic location: 1q42.13.
Variant type: Insertion.
Coding change: c.1266_1267insT on transcript NM_020247.5 (MANE Select); coding-DNA positions 1266 to 1267, T inserted.
Protein change: p.Lys423Ter; replaces lysine 423 with a stop codon.
Molecular consequence: nonsense.
Genome position: GRCh38 VCF-style: chr1-226984103-G-GT. GRCh37 (hg19) VCF-style: chr1-227171804-G-GT.
Other names: short protein forms K423*.
Identifiers: ClinVar variation 1454457 (VCV001454457.6), dbSNP rs2148132672, ClinGen allele CA2573132782.
Genomic context (GRCh38, chr1:226,984,103, plus strand): 5'-GGACGGTGTGGAGGGCCTGTGGCTAGGGCGTGACCTCCCTCCCCTACCCAGGGACCTGCT[G>GT]AAGGGCCACCCCTTCTTCTATGTGCCTGAGATTGTGGATGAGCTCTGCAGCCCACATGTG-3'